The following is an entry in ClinVar:

NM_004564.3(GATB):c.796G>A (p.Val266Met)

Gene: GATB (glutamyl-tRNA amidotransferase subunit B; minus strand). Cytogenetic location: 4q31.3.
Variant type: single nucleotide variant.
Coding change: c.796G>A on transcript NM_004564.3 (MANE Select); coding-DNA position 796, G replaced by A.
Protein change: p.Val266Met; replaces valine 266 with methionine.
Molecular consequence: missense variant.
Genome position (GRCh38, 1-based): chr4:151,708,069, C>T on the plus strand (G>A on the coding strand, the complement: GATB is on the minus strand). VCF-style: chr4-151708069-C-T. GRCh37 (hg19) VCF-style: chr4-152629221-C-T.
Other names: c.796G>A, p.Val266Met (NM_001363341.2); short protein forms V266M.
Identifiers: ClinVar variation 3037218 (VCV003037218.4), dbSNP rs140995129, ClinGen allele CA3105833.

ClinVar aggregate classification (germline): Likely benign. Review status: criteria provided, single submitter (1 of 4 stars). 2 submissions from 2 submitters: Likely benign (1). 1 of the submissions does not count toward it. Last evaluated 2026-06-01.

Conditions:
GATB-related disorder. Also called: GATB-related condition.

Allele frequency attached by ClinVar (database versions not stated): gnomAD exomes 0.00043; ExAC 0.00070; gnomAD 0.00172; TOPMed 0.00191; ESP Exome Variant Server 0.00200; 1000 Genomes Project 30x 0.00219; 1000 Genomes Project 0.00220.

Submissions (2):

CeGaT Center for Human Genetics Tuebingen
Classification: Likely benign. Last evaluated: 2026-06-01. Review status: criteria provided, single submitter. Criteria: CeGaT Center For Human Genetics Tuebingen Variant Classification Criteria Version 2. Collection method: clinical testing. Allele origin: germline. Affected: yes. Observed: 1 variant allele.
Comment: GATB: BS2

PreventionGenetics, part of Exact Sciences
Classification: Likely benign for GATB-related condition. Last evaluated: 2022-10-12. Review status: no assertion criteria provided. Collection method: clinical testing. Allele origin: germline. Not counted in ClinVar's aggregate classification.
Comment: This variant is classified as likely benign based on ACMG/AMP sequence variant interpretation guidelines (Richards et al. 2015 PMID: 25741868, with internal and published modifications).